The following is an entry in ClinVar:

ClinVar aggregate classification (germline): Likely benign (1 of 4 stars; one submission).

Allele frequency attached by ClinVar (database versions not stated): 1000 Genomes Project 30x 0.00187; TOPMed 0.00237; ESP Exome Variant Server 0.00350; ExAC 0.00535; 1000 Genomes Project 0.00200; gnomAD 0.00233.

Submission:

CeGaT Center for Human Genetics Tuebingen
Classification: Likely benign. Last evaluated: 2023-01-01. Review status: criteria provided, single submitter. Criteria: CeGaT Center For Human Genetics Tuebingen Variant Classification Criteria Version 2. Collection method: clinical testing. Allele origin: germline. Affected: yes. Observed: 1 variant allele.
Comment: MICA: BP4, BS2

NM_001177519.3(MICA):c.595G>A (p.Val199Ile)

Gene: MICA (MHC class I polypeptide-related sequence A; plus strand). Cytogenetic location: 6p21.33.
Variant type: single nucleotide variant.
Coding change: c.595G>A on transcript NM_001177519.3 (MANE Select); coding-DNA position 595, G replaced by A.
Protein change: p.Val199Ile; replaces valine 199 with isoleucine.
Molecular consequence: missense variant.
Genome position (GRCh38, 1-based): chr6:31,411,341, G>A. VCF-style: chr6-31411341-G-A. GRCh37 (hg19) VCF-style: chr6-31379118-G-A.
Other names: c.595G>A, p.Val199Ile (NM_000247.3); c.304G>A, p.Val102Ile (NM_001289152.2, NM_001289153.2); c.181G>A, p.Val61Ile (NM_001289154.2); short protein forms V102I, V199I, V61I.
Identifiers: ClinVar variation 2656401 (VCV002656401.24), dbSNP rs41549718, ClinGen allele CA3712175.